The following is an entry in ClinVar:

ClinVar aggregate classification (germline): Benign. Review status: criteria provided, multiple submitters, no conflicts (2 of 4 stars). 2 submissions from 2 submitters: Benign (2). Last evaluated 2018-01-12.

Conditions:
Peters plus syndrome. Also called: KRAUSE-KIVLIN SYNDROME. Identifiers: Orphanet 709, MedGen C0796012, MONDO:0009856, OMIM 261540.

Allele frequency attached by ClinVar (database versions not stated): 1000 Genomes Project 0.62580; 1000 Genomes Project 30x 0.62742; TOPMed 0.67114; gnomAD 0.67769 and 0.67779.

Submissions (2):

Illumina Laboratory Services, Illumina
Classification: Benign for Peters plus syndrome. Last evaluated: 2018-01-12. Review status: criteria provided, single submitter. Criteria: ICSL Variant Classification Criteria 13 December 2019. Collection method: clinical testing. Allele origin: germline.
Comment: This variant was observed in the ICSL laboratory as part of a predisposition screen in an ostensibly healthy population. It had not been previously curated by ICSL or reported in the Human Gene Mutation Database (HGMD: prior to June 1st, 2018), and was therefore a candidate for classification through an automated scoring system. Utilizing variant allele frequency, disease prevalence and penetrance estimates, and inheritance mode, an automated score was calculated to assess if this variant is too frequent to cause the disease. Based on the score and internal cut-off values, a variant classified as benign is not then subjected to further curation. The score for this variant resulted in a classification of benign for this disease.

Breakthrough Genomics
Classification: Benign. Review status: criteria provided, single submitter. Criteria: ACMG Guidelines, 2015. Collection method: not provided. Allele origin: germline. Inheritance: Autosomal recessive inheritance. Affected: yes.

NM_194318.4(B3GLCT):c.*1836G>A

Gene: B3GLCT (beta 3-glucosyltransferase; plus strand). Cytogenetic location: 13q12.3.
Variant type: single nucleotide variant.
Coding change: c.*1836G>A on transcript NM_194318.4 (MANE Select); 1836 bases downstream of the stop codon, G replaced by A.
Molecular consequence: 3 prime UTR variant.
Genome position (GRCh38, 1-based): chr13:31,331,504, G>A. VCF-style: chr13-31331504-G-A. GRCh37 (hg19) VCF-style: chr13-31905641-G-A.
Identifiers: ClinVar variation 883944 (VCV000883944.5), dbSNP rs912603, ClinGen allele CA13856858.
Genomic context (GRCh38, chr13:31,331,504, plus strand): 5'-TACTTTTAAGTGTTTTGTTAATTATATTTACTTTTTGGAATGGTGTAAGCCTAACCACAA[G>A]TAAAAGATCTTTGCCTAAGTTTTTGATTTCTCAAATATTGTGTTCATTAGTCTAGACTGG-3'